The following is an entry in ClinVar:

ClinVar aggregate classification (germline): Uncertain significance (1 of 4 stars; one submission).

Allele frequency attached by ClinVar (database versions not stated): TOPMed below 0.00001.

Submission:

Labcorp Genetics (formerly Invitae), Labcorp
Classification: Uncertain significance. Last evaluated: 2024-11-30. Review status: criteria provided, single submitter. Criteria: Invitae Variant Classification Sherloc (09022015). Collection method: clinical testing. Allele origin: germline.
Comment: This sequence change replaces threonine, which is neutral and polar, with asparagine, which is neutral and polar, at codon 154 of the RAX2 protein (p.Thr154Asn). The frequency data for this variant in the population databases is considered unreliable, as metrics indicate poor data quality at this position in the gnomAD database. This variant has not been reported in the literature in individuals affected with RAX2-related conditions. ClinVar contains an entry for this variant (Variation ID: 1971550). An algorithm developed to predict the effect of missense changes on protein structure and function (PolyPhen-2) suggests that this variant is likely to be tolerated. In summary, the available evidence is currently insufficient to determine the role of this variant in disease. Therefore, it has been classified as a Variant of Uncertain Significance.

NM_001319074.4(RAX2):c.461C>A (p.Thr154Asn)

Gene: RAX2 (retina and anterior neural fold homeobox 2; minus strand). Cytogenetic location: 19p13.3.
Variant type: single nucleotide variant.
Coding change: c.461C>A on transcript NM_001319074.4 (MANE Select); coding-DNA position 461, C replaced by A.
Protein change: p.Thr154Asn; replaces threonine 154 with asparagine.
Molecular consequence: missense variant.
Genome position (GRCh38, 1-based): chr19:3,770,715, G>T on the plus strand (C>A on the coding strand, the complement: RAX2 is on the minus strand). VCF-style: chr19-3770715-G-T. GRCh37 (hg19) VCF-style: chr19-3770713-G-T.
Other names: c.461C>A, p.Thr154Asn (NM_032753.4); short protein forms T154N.
Identifiers: ClinVar variation 1971550 (VCV001971550.5), dbSNP rs1282782912, ClinGen allele CA403374272.
Genomic context (GRCh38, chr19:3,770,715, plus strand): 5'-GCATGTTCCTTGGCCAGCAGCCGCAGGGACGCCTCCTCCAGGGCGAAGCCATCTGCGAAG[G>T]TGGGAGCAAAGGCATGAGGCCCGAAGGACGCTTGCAGCCCCGGGCCCGGGCCCAGGAGGC-3'
Protein context (NP_001306003.2, residues 144-164): ASFGPHAFAP[Thr154Asn]FADGFALEEA